The following is an entry in ClinVar:

NM_001080517.3(SETD5):c.4066C>G (p.Pro1356Ala)

Gene: SETD5 (SET domain containing 5; plus strand). Cytogenetic location: 3p25.3.
Variant type: single nucleotide variant.
Coding change: c.4066C>G on transcript NM_001080517.3 (MANE Select); coding-DNA position 4066, C replaced by G.
Protein change: p.Pro1356Ala; replaces proline 1356 with alanine.
Molecular consequence: missense variant.
Genome position (GRCh38, 1-based): chr3:9,475,828, C>G. VCF-style: chr3-9475828-C-G. GRCh37 (hg19) VCF-style: chr3-9517512-C-G.
Other names: c.3772C>G, p.Pro1258Ala (NM_001292043.2, NM_001349451.2); short protein forms P1258A, P1356A.
Identifiers: ClinVar variation 3905850 (VCV003905850.10).

ClinVar aggregate classification (germline): Uncertain significance (1 of 4 stars; one submission).

gnomAD v4.1: 1 of 1,614,056 alleles (0.000062%); highest among the groups gnomAD compares: East Asian, 0.0022%; no homozygotes.

Submission:

CeGaT Center for Human Genetics Tuebingen
Classification: Uncertain significance. Last evaluated: 2025-05-01. Review status: criteria provided, single submitter. Criteria: CeGaT Center For Human Genetics Tuebingen Variant Classification Criteria Version 2. Collection method: clinical testing. Allele origin: germline. Affected: yes. Observed: 1 variant allele.
Comment: SETD5: PM2, BP4